The following is an entry in ClinVar:

ClinVar aggregate classification (germline): Uncertain significance (1 of 4 stars; one submission).

Allele frequency attached by ClinVar (database versions not stated): gnomAD exomes below 0.00001; TOPMed 0.00002.
gnomAD v4.1: 4 of 1,614,018 alleles (0.00025%); highest among the groups gnomAD compares: African/African-American, 0.0027%; no homozygotes.

Submission:

GeneDx
Classification: Uncertain significance. Last evaluated: 2017-07-21. Review status: criteria provided, single submitter. Criteria: GeneDx Variant Classification (06012015). Collection method: clinical testing. Allele origin: germline. Affected: yes.
Comment: The N253S variant in the EYA1 gene has not been reported previously as a pathogenic variant, nor as a benign variant, to our knowledge. This variant is not observed in large population cohorts (Lek et al., 2016; 1000 Genomes Consortium et al., 2015; Exome Variant Server). The N253S variant is a conservative amino acid substitution, which is not likely to impact secondary protein structure as these residues share similar properties. This substitution occurs at a position where amino acids with similar properties to Asparagine are tolerated across species. In silico analysis is inconsistent in its predictions as to whether or not the variant is damaging to the protein structure/function. Based on currently available evidence, we interpret N253S as a variant of uncertain significance.

NM_000503.6(EYA1):c.758A>G (p.Asn253Ser)

Gene: EYA1 (EYA transcriptional coactivator and phosphatase 1; minus strand). Cytogenetic location: 8q13.3.
Variant type: single nucleotide variant.
Coding change: c.758A>G on transcript NM_000503.6 (MANE Select); coding-DNA position 758, A replaced by G.
Protein change: p.Asn253Ser; replaces asparagine 253 with serine.
Molecular consequence: missense variant.
Genome position (GRCh38, 1-based): chr8:71,299,115, T>C on the plus strand (A>G on the coding strand, the complement: EYA1 is on the minus strand). VCF-style: chr8-71299115-T-C. GRCh37 (hg19) VCF-style: chr8-72211350-T-C.
Other names: c.740A>G, p.Asn247Ser (NM_001288574.2); c.392A>G, p.Asn131Ser (NM_001288575.2); c.845A>G, p.Asn282Ser (NM_001370333.1); c.758A>G, p.Asn253Ser (NM_001370334.1, NM_001370335.1, NM_172058.4); c.827A>G, p.Asn276Ser (NM_001370336.1); c.830A>G, p.Asn277Ser (NM_172059.5); short protein forms N253S, N247S, N131S, N276S, N277S, N282S.
Identifiers: ClinVar variation 450574 (VCV000450574.2), dbSNP rs960785529, ClinGen allele CA179208549.